The following is an entry in ClinVar:

NM_007192.4(SUPT16H):c.2957G>A (p.Ser986Asn)

Gene: SUPT16H (SPT16 homolog, facilitates chromatin remodeling subunit; minus strand). Cytogenetic location: 14q11.2.
Variant type: single nucleotide variant.
Coding change: c.2957G>A on transcript NM_007192.4 (MANE Select); coding-DNA position 2957, G replaced by A.
Protein change: p.Ser986Asn; replaces serine 986 with asparagine.
Molecular consequence: missense variant.
Genome position (GRCh38, 1-based): chr14:21,353,529, C>T on the plus strand (G>A on the coding strand, the complement: SUPT16H is on the minus strand). VCF-style: chr14-21353529-C-T. GRCh37 (hg19) VCF-style: chr14-21821688-C-T.
Other names: c.2957G>A (NM_007192.3); short protein forms S986N.
Identifiers: ClinVar variation 2498588 (VCV002498588.28), dbSNP rs2503016637, ClinGen allele CA388859489.

ClinVar aggregate classification (germline): Uncertain significance. Review status: criteria provided, multiple submitters, no conflicts (2 of 4 stars). 2 submissions from 2 submitters: Uncertain significance (2). Last evaluated 2025-12-04.

Conditions:
Inborn genetic diseases. Identifiers: MedGen C0950123, MeSH D030342.

Submissions (2):

Ambry Genetics
Classification: Uncertain significance for Inborn genetic diseases. Last evaluated: 2025-12-04. Review status: criteria provided, single submitter. Criteria: Ambry Variant Classification Scheme 2023. Collection method: clinical testing. Allele origin: germline.

CeGaT Center for Human Genetics Tuebingen
Classification: Uncertain significance. Last evaluated: 2022-11-01. Review status: criteria provided, single submitter. Criteria: CeGaT Center For Human Genetics Tuebingen Variant Classification Criteria Version 2. Collection method: clinical testing. Allele origin: germline. Affected: yes. Observed: 1 variant allele.
Comment: SUPT16H: PM1, PM2, PP2